The following is an entry in ClinVar:

NM_198578.4(LRRK2):c.2922T>G (p.Ile974Met)

Gene: LRRK2 (leucine rich repeat kinase 2; plus strand). Cytogenetic location: 12q12.
Variant type: single nucleotide variant.
Coding change: c.2922T>G on transcript NM_198578.4 (MANE Select); coding-DNA position 2922, T replaced by G.
Protein change: p.Ile974Met; replaces isoleucine 974 with methionine.
Molecular consequence: missense variant.
Genome position (GRCh38, 1-based): chr12:40,295,470, T>G. VCF-style: chr12-40295470-T-G. GRCh37 (hg19) VCF-style: chr12-40689272-T-G.
Other names: short protein forms I974M.
Identifiers: ClinVar variation 2567389 (VCV002567389.2), dbSNP rs2499728164, ClinGen allele CA384412537.

ClinVar aggregate classification (germline): Uncertain significance (1 of 4 stars; one submission).

Conditions:
Inborn genetic diseases. Identifiers: MedGen C0950123, MeSH D030342.

Submission:

Ambry Genetics
Classification: Uncertain significance for Inborn genetic diseases. Last evaluated: 2023-05-06. Review status: criteria provided, single submitter. Criteria: Ambry Variant Classification Scheme 2023. Collection method: clinical testing. Allele origin: germline.
Comment: The p.I974M variant (also known as c.2922T>G), located in coding exon 23 of the LRRK2 gene, results from a T to G substitution at nucleotide position 2922. The isoleucine at codon 974 is replaced by methionine, an amino acid with highly similar properties. This amino acid position is conserved. In addition, this alteration is predicted to be tolerated by in silico analysis. Since supporting evidence is limited at this time, the clinical significance of this alteration remains unclear.